The following is an entry in ClinVar:

NM_000059.3(BRCA2):c.(?_-1)_67+?del

Gene: BRCA2 (BRCA2 DNA repair associated; plus strand). Cytogenetic location: 13q13.1.
Variant type: Deletion.
Other names: c.(?_-1)_67+?del (LRG_293t1).
Identifiers: ClinVar variation 132728 (VCV000132728.2).

ClinVar aggregate classification (germline): Pathogenic (1 of 4 stars; one submission).

Conditions:
Hereditary breast ovarian cancer syndrome. Also called: Hereditary breast and ovarian cancer; Breast and ovarian cancer; Hereditary breast and ovarian cancer syndrome (HBOC); Hereditary breast and/or ovarian cancer syndrome; Hereditary breast and ovarian cancer syndrome; BRCA1- and BRCA2-Associated Hereditary Breast and Ovarian Cancer. Identifiers: Orphanet 145, MedGen C0677776, MeSH D061325, MONDO:0003582. Disease mechanism: loss of function.

Submission:

Labcorp Genetics (formerly Invitae), Labcorp
Classification: Pathogenic for Hereditary breast ovarian cancer syndrome. Last evaluated: 2015-09-02. Review status: criteria provided, single submitter. Criteria: Invitae Variant Classification Sherloc (09022015). Collection method: clinical testing. Allele origin: germline.
Comment: This variant is a gross deletion of the genomic region encompassing exon 2 of the BRCA2 gene. The 3' boundary is likely confined to the intronic region between exons 2 and 3; the 5' end of this event is unknown as it extends beyond the assayed region for this gene and it may encompass additional genes. This deletion removes exon 2 and the canonical translation initiation codon from the BRCA2 mRNA. It is therefore predicted to result in an absent protein product. In addition, four different variants involving the canonical initiation codon (c.2T>A, c.2T>C, c.2T>G, c.3G>A) in exon 2 have been reported in patients with hereditary breast and/or ovarian cancer (PMID: 24607278, 24156927, 14647210, 18182601), indicating that this start site is critical for translation of a functional BRCA2 protein. A similar gross deletion of BRCA2 exon 2 has been reported in a relatively large percentage (~1.8%) of Spanish families with hereditary breast and/or ovarian cancer (PMID: 17063271). For these reasons, this variant has been classified as Pathogenic.